The following is an entry in ClinVar:

ClinVar aggregate classification (germline): Likely benign (1 of 4 stars; one submission).

Conditions:
HGSNAT-related disorder. Also called: HGSNAT-related condition.

gnomAD v4.1: 2 of 1,586,936 alleles (0.00013%); highest among the groups gnomAD compares: African/African-American, 0.0013%; no homozygotes.

Submission:

PreventionGenetics, part of Exact Sciences
Classification: Likely benign for HGSNAT-related condition. Last evaluated: 2026-03-17. Review status: criteria provided, single submitter. Criteria: ACMG Guidelines, 2015. Collection method: clinical testing. Allele origin: germline.
Comment: This variant is classified as likely benign based on ACMG/AMP sequence variant interpretation guidelines (Richards et al. 2015 PMID: 25741868, with internal and published modifications).

NM_152419.3(HGSNAT):c.1465-4C>G

Gene: HGSNAT (heparan-alpha-glucosaminide N-acetyltransferase; plus strand). Cytogenetic location: 8p11.21.
Variant type: single nucleotide variant.
Coding change: c.1465-4C>G on transcript NM_152419.3 (MANE Select); 4 bases into the intron before coding-DNA position 1465, C replaced by G.
Molecular consequence: intron variant.
Genome position (GRCh38, 1-based): chr8:43,196,944, C>G. VCF-style: chr8-43196944-C-G. GRCh37 (hg19) VCF-style: chr8-43052087-C-G.
Other names: c.1552-4C>G (NM_001363227.2); c.601-4C>G (NM_001363229.2); c.1273-4C>G (NM_001363228.2).
Identifiers: ClinVar variation 4983761 (VCV004983761.1).
Genomic context (GRCh38, chr8:43,196,944, plus strand): 5'-ATTAATATGAAATAAAAATATCCCTTTGGCGATTCTTTTGGTCACACTGTGTTATCTCCT[C>G]CAGGCAGGAAAAATACTATTGTATTACAAGGCTCGGACCAAAGACATCCTGATTCGATTC-3'